The following is an entry in ClinVar:

ClinVar aggregate classification (germline): Uncertain significance. Review status: criteria provided, multiple submitters, no conflicts (2 of 4 stars). 2 submissions from 2 submitters: Uncertain significance (2). Last evaluated 2025-01-10.

Conditions:
Multiple endocrine neoplasia, type 1 (MEN1). Also called: MEA I; MEN I; WERMER SYNDROME; Endocrine adenomatosis multiple; MEN 1. Identifiers: Orphanet 652, MedGen C0025267, MeSH D018761, MONDO:0007540, OMIM 131100.
Hereditary cancer-predisposing syndrome. Also called: Tumor predisposition; Hereditary Cancer Syndrome; Neoplastic Syndromes, Hereditary; Hereditary neoplastic syndrome. Identifiers: Orphanet 140162, MedGen C0027672, MeSH D009386, MONDO:0015356.

Submissions (2):

Ambry Genetics
Classification: Uncertain significance for Hereditary cancer-predisposing syndrome. Last evaluated: 2025-01-10. Review status: criteria provided, single submitter. Criteria: Ambry Variant Classification Scheme 2023. Collection method: clinical testing. Allele origin: germline.
Comment: The p.L256V variant (also known as c.766C>G), located in coding exon 3 of the MEN1 gene, results from a C to G substitution at nucleotide position 766. The leucine at codon 256 is replaced by valine, an amino acid with highly similar properties. This amino acid position is conserved. In addition, this alteration is predicted to be deleterious by in silico analysis. Based on the available evidence, the clinical significance of this variant remains unclear.

Labcorp Genetics (formerly Invitae), Labcorp
Classification: Uncertain significance for Multiple endocrine neoplasia, type 1. Last evaluated: 2024-01-04. Review status: criteria provided, single submitter. Criteria: Invitae Variant Classification Sherloc (09022015). Collection method: clinical testing. Allele origin: germline.
Comment: This sequence change replaces leucine, which is neutral and non-polar, with valine, which is neutral and non-polar, at codon 256 of the MEN1 protein (p.Leu256Val). This variant is not present in population databases (gnomAD no frequency). This variant has not been reported in the literature in individuals affected with MEN1-related conditions. Advanced modeling of protein sequence and biophysical properties (such as structural, functional, and spatial information, amino acid conservation, physicochemical variation, residue mobility, and thermodynamic stability) has been performed at Invitae for this missense variant, however the output from this modeling did not meet the statistical confidence thresholds required to predict the impact of this variant on MEN1 protein function. This variant disrupts the p.Leu256 amino acid residue in MEN1. Other variant(s) that disrupt this residue have been determined to be pathogenic (PMID: 9792884; Invitae). This suggests that this residue is clinically significant, and that variants that disrupt this residue are likely to be disease-causing. In summary, the available evidence is currently insufficient to determine the role of this variant in disease. Therefore, it has been classified as a Variant of Uncertain Significance.

Literature cited by the submitters: PubMed 9792884 (cited by Labcorp Genetics (formerly Invitae), Labcorp).

NM_001370259.2(MEN1):c.766C>G (p.Leu256Val)

Gene: MEN1 (menin 1; minus strand). Cytogenetic location: 11q13.1.
Variant type: single nucleotide variant.
Coding change: c.766C>G on transcript NM_001370259.2 (MANE Select); coding-DNA position 766, C replaced by G.
Protein change: p.Leu256Val; replaces leucine 256 with valine.
Molecular consequence: missense variant. On other transcripts: non-coding transcript variant (4).
Genome position (GRCh38, 1-based): chr11:64,807,569, G>C on the plus strand (C>G on the coding strand, the complement: MEN1 is on the minus strand). VCF-style: chr11-64807569-G-C. GRCh37 (hg19) VCF-style: chr11-64575041-G-C.
Other names: c.781C>G, p.Leu261Val (NM_000244.4, NM_001407145.1, NM_001407150.1 and 5 more transcripts); c.766C>G, p.Leu256Val (NM_001370251.2, NM_001370260.2, NM_001370261.2 and 7 more transcripts); c.661C>G, p.Leu221Val (NM_001370262.2, NM_001370263.2, NM_001407148.1 and 2 more transcripts); short protein forms L221V, L256V, L261V.
Identifiers: ClinVar variation 2961613 (VCV002961613.4), dbSNP rs878855198, ClinGen allele CA381184198.
Genomic context (GRCh38, chr11:64,807,569, plus strand): 5'-AGTCTGGCCTAGCCCAGTCCTGCCCCATTGGCTCAGCCCTCACCTGCTGCAGCTGCAGAA[G>C]CTCCAGCGAGTCGGTGTGCAGGTCAATGGAAGGGTTGATGGCACACACCATGAACGCCAC-3'
Protein context (NP_001357188.2, residues 246-266): SIDLHTDSLE[Leu256Val]LQLQQKLLWL